The following is an entry in ClinVar:

NM_001035.3(RYR2):c.7009G>A (p.Gly2337Arg)

Gene: RYR2 (ryanodine receptor 2; plus strand). Cytogenetic location: 1q43.
Variant type: single nucleotide variant.
Coding change: c.7009G>A on transcript NM_001035.3 (MANE Select); coding-DNA position 7009, G replaced by A.
Protein change: p.Gly2337Arg; replaces glycine 2337 with arginine.
Molecular consequence: missense variant.
Genome position (GRCh38, 1-based): chr1:237,639,095, G>A. VCF-style: chr1-237639095-G-A. GRCh37 (hg19) VCF-style: chr1-237802395-G-A.
Other names: short protein forms G2337R.
Identifiers: ClinVar variation 840038 (VCV000840038.13), dbSNP rs1553263875, ClinGen allele CA345395896.
Genomic context (GRCh38, chr1:237,639,095, plus strand): 5'-GCAAATGTCGTGGTGAGATTGCTCATTCGGAGGCCTGAGTGTTTTGGTCCTGCTTTGAGA[G>A]GAGAAGGTGGGAATGGGCTTCTTGCAGCAATGGAAGAAGCCATCAAAATCGCCGAGGATC-3'
Protein context (NP_001026.2, residues 2327-2347): RPECFGPALR[Gly2337Arg]EGGNGLLAAM

ClinVar aggregate classification (germline): Conflicting classifications of pathogenicity. Review status: criteria provided, conflicting classifications (1 of 4 stars). 2 submissions from 2 submitters: Likely pathogenic (1); Uncertain significance (1). Last evaluated 2022-09-01.

Conditions:
Cardiovascular phenotype. Identifiers: MedGen CN230736.
Catecholaminergic polymorphic ventricular tachycardia 1. Also called: VENTRICULAR TACHYCARDIA, CATECHOLAMINERGIC POLYMORPHIC, 1, WITH OR WITHOUT ATRIAL DYSFUNCTION AND/OR DILATED CARDIOMYOPATHY; VENTRICULAR TACHYCARDIA, STRESS-INDUCED POLYMORPHIC 1; RYR2-Related Catecholaminergic Polymorphic Ventricular Tachycardia. Identifiers: Orphanet 3286, MedGen C1631597, MONDO:0011484, OMIM 604772.

Submissions (2):

Ambry Genetics
Classification: Uncertain significance for Cardiovascular phenotype. Last evaluated: 2022-09-01. Review status: criteria provided, single submitter. Criteria: Ambry Variant Classification Scheme 2023. Collection method: clinical testing. Allele origin: germline.
Comment: The p.G2337R variant (also known as c.7009G>A), located in coding exon 46 of the RYR2 gene, results from a G to A substitution at nucleotide position 7009. The glycine at codon 2337 is replaced by arginine, an amino acid with dissimilar properties. This variant was detected in a cardiomyopathy/arrhythmia genetic testing cohort; however, clinical details were limited, and additional cardiac variants were detected in some cases (van Lint FHM et al. Neth Heart J, 2019 Jun;27:304-309). A different variant (c.7009G>C) with the same protein effect was detected in a patient with arrhythmogenic right ventricular cardiomyopathy (ARVC) (Forleo C et al. PLoS One, 2017 Jul;12:e0181842). This amino acid position is highly conserved in available vertebrate species. In addition, this alteration is predicted to be deleterious by in silico analysis. Since supporting evidence is limited at this time, the clinical significance of this alteration remains unclear.

Labcorp Genetics (formerly Invitae), Labcorp
Classification: Likely pathogenic for Catecholaminergic polymorphic ventricular tachycardia 1. Last evaluated: 2019-01-29. Review status: criteria provided, single submitter. Criteria: Invitae Variant Classification Sherloc (09022015). Collection method: clinical testing. Allele origin: germline.
Comment: In summary, the currently available evidence indicates that the variant is pathogenic, but additional data are needed to prove that conclusively. Therefore, this variant has been classified as Likely Pathogenic. A different variant (c.7009G>C) giving rise to the same protein effect observed here (p.Gly2337Arg) has been determined to be pathogenic (PMID: 28750076, Invitae). This suggests that this variant is also likely to be causative of disease. This sequence change replaces glycine with arginine at codon 2337 of the RYR2 protein (p.Gly2337Arg). The glycine residue is highly conserved and there is a moderate physicochemical difference between glycine and arginine. This variant is not present in population databases (ExAC no frequency). This variant has not been reported in the literature in individuals with RYR2-related conditions. Algorithms developed to predict the effect of missense changes on protein structure and function (SIFT, PolyPhen-2, Align-GVGD) all suggest that this variant is likely to be disruptive, but these predictions have not been confirmed by published functional studies and their clinical significance is uncertain.

Literature cited by the submitters: PubMed 28750076 (cited by Ambry Genetics and Labcorp Genetics (formerly Invitae), Labcorp); PubMed 30847666 (cited by Ambry Genetics).